The following is an entry in ClinVar:

NM_001182.5(ALDH7A1):c.704C>A (p.Ala235Asp)

Gene: ALDH7A1 (aldehyde dehydrogenase 7 family member A1; minus strand). Cytogenetic location: 5q23.2.
Variant type: single nucleotide variant.
Coding change: c.704C>A on transcript NM_001182.5 (MANE Select); coding-DNA position 704, C replaced by A.
Protein change: p.Ala235Asp; replaces alanine 235 with aspartic acid.
Molecular consequence: missense variant.
Genome position (GRCh38, 1-based): chr5:126,570,851, G>T on the plus strand (C>A on the coding strand, the complement: ALDH7A1 is on the minus strand). VCF-style: chr5-126570851-G-T. GRCh37 (hg19) VCF-style: chr5-125906543-G-T.
Other names: c.620C>A, p.Ala207Asp (NM_001201377.2); c.704C>A, p.Ala235Asp (NM_001202404.2); short protein forms A207D, A235D.
Identifiers: ClinVar variation 3068949 (VCV003068949.2), dbSNP rs1394685886, ClinGen allele CA360730297.

ClinVar aggregate classification (germline): Uncertain significance (1 of 4 stars; one submission).

Allele frequency attached by ClinVar (database versions not stated): gnomAD 0.00001.
gnomAD v4.1: 2 of 1,613,680 alleles (0.00012%); highest among the groups gnomAD compares: African/African-American, 0.0027%; no homozygotes.

Submission:

Women's Health and Genetics/Laboratory Corporation of America, LabCorp
Classification: Uncertain significance. Last evaluated: 2024-02-09. Review status: criteria provided, single submitter. Criteria: LabCorp Variant Classification Summary - May 2015. Collection method: clinical testing. Allele origin: germline.
Comment: Variant summary: ALDH7A1 c.704C>A (p.Ala235Asp) results in a non-conservative amino acid change located in the aldehyde dehydrogenase domain (IPR015590) of the encoded protein sequence. Three of five in-silico tools predict a damaging effect of the variant on protein function. The variant was absent in 251470 control chromosomes (gnomAD). The available data on variant occurrences in the general population are insufficient to allow any conclusion about variant significance. To our knowledge, no occurrence of c.704C>A in individuals affected with Pyridoxine-Dependent Epilepsy and no experimental evidence demonstrating its impact on protein function have been reported. No submitters have cited clinical-significance assessments for this variant to ClinVar. Based on the evidence outlined above, the variant was classified as uncertain significance.